The following is an entry in ClinVar:

NM_002354.3(EPCAM):c.915G>A (p.Met305Ile)

Gene: EPCAM (epithelial cell adhesion molecule; plus strand). Cytogenetic location: 2p21.
Variant type: single nucleotide variant.
Coding change: c.915G>A on transcript NM_002354.3 (MANE Select); coding-DNA position 915, G replaced by A.
Protein change: p.Met305Ile; replaces methionine 305 with isoleucine.
Molecular consequence: missense variant.
Genome position (GRCh38, 1-based): chr2:47,386,583, G>A. VCF-style: chr2-47386583-G-A. GRCh37 (hg19) VCF-style: chr2-47613722-G-A.
Other names: short protein forms M305I.
Identifiers: ClinVar variation 2602056 (VCV002602056.3), dbSNP rs758824634, ClinGen allele CA1649225.

ClinVar aggregate classification (germline): Uncertain significance (1 of 4 stars; one submission).

Conditions:
Hereditary cancer-predisposing syndrome. Also called: Tumor predisposition; Hereditary Cancer Syndrome; Hereditary neoplastic syndrome; Neoplastic Syndromes, Hereditary. Identifiers: Orphanet 140162, MedGen C0027672, MeSH D009386, MONDO:0015356.

Allele frequency attached by ClinVar (database versions not stated): gnomAD exomes 0.00001; ExAC 0.00005.
gnomAD v4.1: 17 of 1,606,488 alleles (0.0011%); highest among the groups gnomAD compares: Non-Finnish European, 0.00085%; no homozygotes.

Submission:

Ambry Genetics
Classification: Uncertain significance for Hereditary cancer-predisposing syndrome. Last evaluated: 2025-07-31. Review status: criteria provided, single submitter. Criteria: Ambry Variant Classification Scheme 2023. Collection method: clinical testing. Allele origin: germline.
Comment: The p.M305I variant (also known as c.915G>A), located in coding exon 9 of the EPCAM gene, results from a G to A substitution at nucleotide position 915. The methionine at codon 305 is replaced by isoleucine, an amino acid with highly similar properties. This amino acid position is conserved. In addition, the in silico prediction for this alteration is inconclusive. Since supporting evidence is limited at this time, the clinical significance of this alteration remains unclear.